The following is an entry in ClinVar:

NM_004364.5(CEBPA):c.710CCGCGC[3] (p.237PA[3])

Gene: CEBPA (CCAAT enhancer binding protein alpha; minus strand). Cytogenetic location: 19q13.11.
Variant type: Microsatellite.
Coding change: c.710CCGCGC[3] on transcript NM_004364.5 (MANE Select); three copies in a row of the 6-base unit CCGCGC starting at c.710; the reference has two copies in a row; one copy, 6 bases duplicated.
Protein change: p.237PA[3].
Molecular consequence: inframe insertion.
Genome position (GRCh38, 1-based): chr19:33,301,694-33,301,699, GCGCGG duplicated on the plus strand (CCGCGC on the coding strand, the reverse complement: CEBPA is on the minus strand); duplicating any 6 consecutive bases within chr19:33,301,694-33,301,706 gives the same sequence; the position shown is the placement nearest the transcript's 3' end. VCF-style (leftmost placement, unchanged base first): chr19-33301693-A-AGCGCGG. GRCh37 (hg19) VCF-style: chr19-33792599-A-AGCGCGG.
Other names: c.716_721dupCCGCGC (NM_004364.3); c.353CCGCGC[3], p.118PA[3] (NM_001285829.2); c.815CCGCGC[3], p.272PA[3] (NM_001287424.2); c.668CCGCGC[3], p.223PA[3] (NM_001287435.2).
Identifiers: ClinVar variation 851205 (VCV000851205.12), dbSNP rs1967171960, ClinGen allele CA916081951.

ClinVar aggregate classification (germline): Uncertain significance. Review status: criteria provided, multiple submitters, no conflicts (2 of 4 stars). 2 submissions from 2 submitters: Uncertain significance (2). Last evaluated 2025-11-04.

Conditions:
Acute myeloid leukemia (AML). Also called: Acute myeloid leukemia, adult; AML adult; Acute non-lymphocytic leukemia; Acute granulocytic leukemia; Leukemia, acute myeloid, somatic; Leukemia, acute myelogenous, somatic. Identifiers: Orphanet 519, MedGen C0023467, MeSH D015470, MONDO:0018874, OMIM 601626, HP:0004808. Disease mechanism: Constitutively activated FLT3.
Inborn genetic diseases. Identifiers: MedGen C0950123, MeSH D030342.

Submissions (2):

Ambry Genetics
Classification: Uncertain significance for Inborn genetic diseases. Last evaluated: 2025-11-04. Review status: criteria provided, single submitter. Criteria: Ambry Variant Classification Scheme 2023. Collection method: clinical testing. Allele origin: germline.
Comment: The c.716_721dupCCGCGC variant (also known as p.P239_A240dup), located in coding exon 1 of the CEBPA gene, results from an in-frame duplication of CCGCGC at nucleotide positions 716 to 721. This results in the duplication of 2 extra residues (PA) between codons 239 and 240. This amino acid region is well conserved in available vertebrate species. In addition, this variant is predicted to be neutral by in silico analysis (Choi Y et al. PLoS ONE. 2012; 7(10):e46688). Based on the available evidence, the clinical significance of this variant remains unclear.

Labcorp Genetics (formerly Invitae), Labcorp
Classification: Uncertain significance for Acute myeloid leukemia. Last evaluated: 2019-04-09. Review status: criteria provided, single submitter. Criteria: Invitae Variant Classification Sherloc (09022015). Collection method: clinical testing. Allele origin: germline.
Comment: The frequency data for this variant in the population databases is considered unreliable, as metrics indicate insufficient coverage at this position in the ExAC database. This variant, c.716_721dup, results in the insertion of 2 amino acid(s) to the CEBPA protein (p.Pro239_Ala240dup), but otherwise preserves the integrity of the reading frame. In summary, the available evidence is currently insufficient to determine the role of this variant in disease. Therefore, it has been classified as a Variant of Uncertain Significance. Experimental studies and prediction algorithms are not available for this variant, and the functional significance of the affected amino acid(s) is currently unknown. This variant has not been reported in the literature in individuals with CEBPA-related conditions.